The following is an entry in ClinVar:

ClinVar aggregate classification (germline): Uncertain significance. Review status: criteria provided, multiple submitters, no conflicts (2 of 4 stars). 2 submissions from 2 submitters: Uncertain significance (2). Last evaluated 2025-03-18.

Conditions:
Colorectal cancer, susceptibility to, 12 (CRCS12). Also called: COLORECTAL CANCER, SUSCEPTIBILITY TO, ON CHROMOSOME 12q24. Identifiers: Orphanet 220460, MedGen C3554460, MONDO:0014038, OMIM 615083.
Hereditary cancer-predisposing syndrome. Also called: Neoplastic Syndromes, Hereditary; Hereditary Cancer Syndrome; Tumor predisposition; Hereditary neoplastic syndrome. Identifiers: Orphanet 140162, MedGen C0027672, MeSH D009386, MONDO:0015356.

Allele frequency attached by ClinVar (database versions not stated): gnomAD exomes below 0.00001; gnomAD 0.00001; TOPMed 0.00003.
gnomAD v4.1: 2 of 1,614,074 alleles (0.00012%); highest among the groups gnomAD compares: Non-Finnish European, 0.00017%; no homozygotes.

Submissions (2):

Ambry Genetics
Classification: Uncertain significance for Hereditary cancer-predisposing syndrome. Last evaluated: 2025-03-18. Review status: criteria provided, single submitter. Criteria: Ambry Variant Classification Scheme 2023. Collection method: clinical testing. Allele origin: germline.
Comment: The p.Q508R variant (also known as c.1523A>G), located in coding exon 15 of the POLE gene, results from an A to G substitution at nucleotide position 1523. The glutamine at codon 508 is replaced by arginine, an amino acid with highly similar properties. This amino acid position is highly conserved in available vertebrate species. In addition, the in silico prediction for this alteration is inconclusive. Based on the available evidence, the clinical significance of this variant remains unclear.

Labcorp Genetics (formerly Invitae), Labcorp
Classification: Uncertain significance for Colorectal cancer, susceptibility to, 12. Last evaluated: 2022-10-17. Review status: criteria provided, single submitter. Criteria: Invitae Variant Classification Sherloc (09022015). Collection method: clinical testing. Allele origin: germline.
Comment: This sequence change replaces glutamine, which is neutral and polar, with arginine, which is basic and polar, at codon 508 of the POLE protein (p.Gln508Arg). This variant is not present in population databases (gnomAD no frequency). This variant has not been reported in the literature in individuals affected with POLE-related conditions. ClinVar contains an entry for this variant (Variation ID: 574375). Advanced modeling of protein sequence and biophysical properties (such as structural, functional, and spatial information, amino acid conservation, physicochemical variation, residue mobility, and thermodynamic stability) performed at Invitae indicates that this missense variant is not expected to disrupt POLE protein function. In summary, the available evidence is currently insufficient to determine the role of this variant in disease. Therefore, it has been classified as a Variant of Uncertain Significance.

NM_006231.4(POLE):c.1523A>G (p.Gln508Arg)

Gene: POLE (DNA polymerase epsilon, catalytic subunit; minus strand). Cytogenetic location: 12q24.33.
Variant type: single nucleotide variant.
Coding change: c.1523A>G on transcript NM_006231.4 (MANE Select); coding-DNA position 1523, A replaced by G.
Protein change: p.Gln508Arg; replaces glutamine 508 with arginine.
Molecular consequence: missense variant.
Genome position (GRCh38, 1-based): chr12:132,672,790, T>C on the plus strand (A>G on the coding strand, the complement: POLE is on the minus strand). VCF-style: chr12-132672790-T-C. GRCh37 (hg19) VCF-style: chr12-133249376-T-C.
Other names: c.1523A>G (NM_006231.2); short protein forms Q508R.
Identifiers: ClinVar variation 574375 (VCV000574375.7), dbSNP rs1003970392, ClinGen allele CA246293647.